The following is an entry in ClinVar:

NC_000023.11:g.37780011T>G

Gene: CYBB (cytochrome b-245 beta chain; plus strand). Cytogenetic location: Xp21.1.
Variant type: single nucleotide variant.
Genome position: GRCh38 VCF-style: chrX-37780011-T-G. GRCh37 (hg19) VCF-style: chrX-37639264-T-G.
Identifiers: ClinVar variation 2984361 (VCV002984361.3), dbSNP rs2519189092, ClinGen allele CA2740092094.

ClinVar aggregate classification (germline): Uncertain significance (1 of 4 stars; one submission).

Conditions:
Granulomatous disease, chronic, X-linked. Also called: CYTOCHROME b-NEGATIVE GRANULOMATOUS DISEASE, CHRONIC, X-LINKED; GRANULOMATOUS DISEASE, CHRONIC, X-LINKED, SOMATIC MOSAIC. Identifiers: Orphanet 379, MedGen C1844376, MONDO:0010600, OMIM 306400.

Submission:

Labcorp Genetics (formerly Invitae), Labcorp
Classification: Uncertain significance for Granulomatous disease, chronic, X-linked. Last evaluated: 2025-03-09. Review status: criteria provided, single submitter. Criteria: Invitae Variant Classification Sherloc (09022015). Collection method: clinical testing. Allele origin: germline.
Comment: This variant occurs in a non-coding region of the CYBB gene. It does not change the encoded amino acid sequence of the CYBB protein. The frequency data for this variant in the population databases is considered unreliable, as metrics indicate insufficient coverage at this position in the gnomAD database. This variant has not been reported in the literature in individuals affected with CYBB-related conditions. Experimental studies and prediction algorithms are not available or were not evaluated, and the functional significance of this variant is currently unknown. In summary, the available evidence is currently insufficient to determine the role of this variant in disease. Therefore, it has been classified as a Variant of Uncertain Significance.